The following is an entry in ClinVar:

NM_001347721.2(DYRK1A):c.2015A>G (p.Gln672Arg)

Gene: DYRK1A (dual specificity tyrosine phosphorylation regulated kinase 1A; plus strand). Cytogenetic location: 21q22.13.
Variant type: single nucleotide variant.
Coding change: c.2015A>G on transcript NM_001347721.2 (MANE Select); coding-DNA position 2015, A replaced by G.
Protein change: p.Gln672Arg; replaces glutamine 672 with arginine.
Molecular consequence: missense variant. On other transcripts: 3 prime UTR variant (2).
Genome position (GRCh38, 1-based): chr21:37,512,281, A>G. VCF-style: chr21-37512281-A-G. GRCh37 (hg19) VCF-style: chr21-38884584-A-G.
Other names: c.2015A>G, p.Gln672Arg (NM_001347722.2, NM_130436.2); c.1928A>G, p.Gln643Arg (NM_001347723.2); c.2042A>G, p.Gln681Arg (NM_001396.5); c.*418A>G (NM_101395.2); c.*327A>G (NM_130438.2); short protein forms Q643R, Q672R, Q681R.
Identifiers: ClinVar variation 1396216 (VCV001396216.6), dbSNP rs2148662907, ClinGen allele CA409940248.
Genomic context (GRCh38, chr21:37,512,281, plus strand): 5'-CAACGACTTCTTCCTCGACATCTTCCTCCTCTACTGGTAACCAAGGCAATCAGGCCTACC[A>G]GAATCGCCCAGTGGCTGCTAATACCTTGGACTTTGGACAGAATGGAGCTATGGACGTTAA-3'
Protein context (NP_001334650.1, residues 662-682): STGNQGNQAY[Gln672Arg]NRPVAANTLD

ClinVar aggregate classification (germline): Uncertain significance (1 of 4 stars; one submission).

Conditions:
DYRK1A-related intellectual disability syndrome (MRD7). Also called: Intellectual developmental disorder, autosomal dominant 7; DYRK1A Syndrome. Identifiers: Orphanet 464306, MedGen C5568143, MONDO:0013578, OMIM 614104.

Submission:

Labcorp Genetics (formerly Invitae), Labcorp
Classification: Uncertain significance for DYRK1A-related intellectual disability syndrome. Last evaluated: 2024-09-25. Review status: criteria provided, single submitter. Criteria: Invitae Variant Classification Sherloc (09022015). Collection method: clinical testing. Allele origin: germline.
Comment: This sequence change replaces glutamine, which is neutral and polar, with arginine, which is basic and polar, at codon 681 of the DYRK1A protein (p.Gln681Arg). This variant is not present in population databases (gnomAD no frequency). This variant has not been reported in the literature in individuals affected with DYRK1A-related conditions. ClinVar contains an entry for this variant (Variation ID: 1396216). An algorithm developed to predict the effect of missense changes on protein structure and function (PolyPhen-2) suggests that this variant is likely to be disruptive. In summary, the available evidence is currently insufficient to determine the role of this variant in disease. Therefore, it has been classified as a Variant of Uncertain Significance.